The following is an entry in ClinVar:

NM_016592.5(GNAS):c.288C>T (p.Ser96=)

Genes: GNAS (GNAS complex locus; plus strand), GNAS-AS1 (GNAS antisense RNA 1; minus strand). Cytogenetic location: 20q13.32.
Variant type: single nucleotide variant.
Coding change: c.288C>T on transcript NM_016592.5 (MANE Plus Clinical); coding-DNA position 288, C replaced by T.
Protein change: p.Ser96=; no amino-acid change (serine 96 retained).
Molecular consequence: synonymous variant. On other transcripts: 5 prime UTR variant (1).
Genome position (GRCh38, 1-based): chr20:58,840,394, C>T. VCF-style: chr20-58840394-C-T. GRCh37 (hg19) VCF-style: chr20-57415449-C-T.
Other names: c.-450C>T (NM_001410912.1).
Identifiers: ClinVar variation 3346622 (VCV003346622.1).

ClinVar aggregate classification (germline): Likely benign (0 of 4 stars; one submission).

Conditions:
GNAS-related disorder. Identifiers: MedGen CN380105.

gnomAD v4.1: 10 of 1,613,522 alleles (0.00062%); highest among the groups gnomAD compares: Non-Finnish European, 0.00085%; no homozygotes.

Submission:

PreventionGenetics, part of Exact Sciences
Classification: Likely benign for GNAS-related condition. Last evaluated: 2024-09-10. Review status: no assertion criteria provided. Collection method: clinical testing. Allele origin: germline.
Comment: This variant is classified as likely benign based on ACMG/AMP sequence variant interpretation guidelines (Richards et al. 2015 PMID: 25741868, with internal and published modifications).